The following is an entry in ClinVar:

NM_006033.4(LIPG):c.729del (p.Asn244fs)

Gene: LIPG (lipase G, endothelial type; plus strand). Cytogenetic location: 18q21.1.
Variant type: Deletion.
Coding change: c.729del on transcript NM_006033.4 (MANE Select); coding-DNA position 729, one base deleted (C; older notation c.729delC).
Protein change: p.Asn244fs; shifts the reading frame from asparagine 244.
Molecular consequence: frameshift variant. On other transcripts: intron variant (1).
Genome position (GRCh38, 1-based): chr18:49,575,526, C deleted; the last of 4 consecutive C bases (chr18:49,575,523-49,575,526); deleting any one gives the same sequence. VCF-style (leftmost placement, unchanged base first): chr18-49575522-AC-A. GRCh37 (hg19) VCF-style: chr18-47101892-AC-A.
Other names: c.572-5889del (NM_001308006.2); short protein forms N244fs.
Identifiers: ClinVar variation 2732233 (VCV002732233.3), dbSNP rs2511299444, ClinGen allele CA2697555492.

ClinVar aggregate classification (germline): Uncertain significance (1 of 4 stars; one submission).

Submission:

Labcorp Genetics (formerly Invitae), Labcorp
Classification: Uncertain significance. Last evaluated: 2023-06-28. Review status: criteria provided, single submitter. Criteria: Invitae Variant Classification Sherloc (09022015). Collection method: clinical testing. Allele origin: germline.
Comment: This sequence change creates a premature translational stop signal (p.Asn244Metfs*27) in the LIPG gene. This variant is not present in population databases (gnomAD no frequency). This variant has not been reported in the literature in individuals affected with LIPG-related conditions. In summary, the available evidence is currently insufficient to determine the role of this variant in disease. Therefore, it has been classified as a Variant of Uncertain Significance.